The following is an entry in ClinVar:

ClinVar aggregate classification (germline): Likely benign. Review status: criteria provided, single submitter (1 of 4 stars). 2 submissions from 2 submitters: Likely benign (1). 1 of the submissions does not count toward it. Last evaluated 2024-10-18.

Conditions:
HAVCR2-related disorder. Also called: HAVCR2-related condition.

Allele frequency attached by ClinVar (database versions not stated): gnomAD exomes 0.00049; ExAC 0.00178; 1000 Genomes Project 30x 0.00406; 1000 Genomes Project 0.00439; gnomAD 0.00535; TOPMed 0.00611; ESP Exome Variant Server 0.00638.
gnomAD v4.1: 1,569 of 1,613,236 alleles (0.097%); highest among the groups gnomAD compares: African/African-American, 1.9%; 12 homozygotes.

Submissions (2):

Blueprint Genetics
Classification: Likely benign. Last evaluated: 2024-10-18. Review status: criteria provided, single submitter. Criteria: ACMG Guidelines, 2015. Collection method: clinical testing. Allele origin: germline.

PreventionGenetics, part of Exact Sciences
Classification: Benign for HAVCR2-related condition. Last evaluated: 2019-10-28. Review status: no assertion criteria provided. Collection method: clinical testing. Allele origin: germline. Not counted in ClinVar's aggregate classification.
Comment: This variant is classified as benign based on ACMG/AMP sequence variant interpretation guidelines (Richards et al. 2015 PMID: 25741868, with internal and published modifications).

NM_032782.5(HAVCR2):c.512T>C (p.Ile171Thr)

Gene: HAVCR2 (hepatitis A virus cellular receptor 2; minus strand). Cytogenetic location: 5q33.3.
Variant type: single nucleotide variant.
Coding change: c.512T>C on transcript NM_032782.5 (MANE Select); coding-DNA position 512, T replaced by C.
Protein change: p.Ile171Thr; replaces isoleucine 171 with threonine.
Molecular consequence: missense variant.
Genome position (GRCh38, 1-based): chr5:157,098,868, A>G on the plus strand (T>C on the coding strand, the complement: HAVCR2 is on the minus strand). VCF-style: chr5-157098868-A-G. GRCh37 (hg19) VCF-style: chr5-156525879-A-G.
Other names: short protein forms I171T.
Identifiers: ClinVar variation 3041586 (VCV003041586.3), dbSNP rs73815925, ClinGen allele CA3531883.